The following is an entry in ClinVar:

NM_138817.3(SLC7A13):c.372del (p.Ser126fs)

Gene: SLC7A13 (solute carrier family 7 member 13; minus strand). Cytogenetic location: 8q21.3.
Variant type: Deletion.
Coding change: c.372del on transcript NM_138817.3 (MANE Select); coding-DNA position 372, one base deleted (T; older notation c.372delT).
Protein change: p.Ser126fs; shifts the reading frame from serine 126.
Molecular consequence: frameshift variant.
Genome position (GRCh38, 1-based): chr8:86,229,906, A deleted on the plus strand (T on the coding strand, the reverse complement: SLC7A13 is on the minus strand); the first of 7 consecutive A bases (chr8:86,229,906-86,229,912); deleting any one gives the same sequence. VCF-style (leftmost placement, unchanged base first): chr8-86229905-GA-G. GRCh37 (hg19) VCF-style: chr8-87242134-GA-G.
Other names: short protein forms S126fs.
Identifiers: ClinVar variation 1997341 (VCV001997341.4), dbSNP rs761897892, ClinGen allele CA462113549.
Genomic context (GRCh38, chr8:86,229,905, plus strand): 5'-CAATCCACAACATGGCCAATGCCAGACATTTCTTAGGCAGCTTTGGGACAGAGCAGCTGG[GA>G]AAAAAAGGCTGGATGCTGTACTCAGCAAGGAGCAGAGCTTGGCCAGCAACTACCCCTGAC-3'

ClinVar aggregate classification (germline): Uncertain significance (1 of 4 stars; one submission).

Submission:

Labcorp Genetics (formerly Invitae), Labcorp
Classification: Uncertain significance. Last evaluated: 2022-05-21. Review status: criteria provided, single submitter. Criteria: Invitae Variant Classification Sherloc (09022015). Collection method: clinical testing. Allele origin: germline.
Comment: This variant has not been reported in the literature in individuals affected with SLC7A13-related conditions. This variant is not present in population databases (gnomAD no frequency). This sequence change creates a premature translational stop signal (p.Ser126Alafs*20) in the SLC7A13 gene. It is expected to result in an absent or disrupted protein product. However, the current clinical and genetic evidence is not sufficient to establish whether loss-of-function variants in SLC7A13 cause disease. In summary, the available evidence is currently insufficient to determine the role of this variant in disease. Therefore, it has been classified as a Variant of Uncertain Significance.